The following is an entry in ClinVar:

NM_001244710.2(GFPT1):c.41G>A (p.Arg14Gln)

Gene: GFPT1 (glutamine--fructose-6-phosphate transaminase 1; minus strand). Cytogenetic location: 2p13.3.
Variant type: single nucleotide variant.
Coding change: c.41G>A on transcript NM_001244710.2 (MANE Select); coding-DNA position 41, G replaced by A.
Protein change: p.Arg14Gln; replaces arginine 14 with glutamine.
Molecular consequence: missense variant.
Genome position (GRCh38, 1-based): chr2:69,374,080, C>T on the plus strand (G>A on the coding strand, the complement: GFPT1 is on the minus strand). VCF-style: chr2-69374080-C-T. GRCh37 (hg19) VCF-style: chr2-69601212-C-T.
Other names: c.41G>A, p.Arg14Gln (NM_002056.4); short protein forms R14Q.
Identifiers: ClinVar variation 381940 (VCV000381940.7), dbSNP rs922548333, ClinGen allele CA16604348.

ClinVar aggregate classification (germline): Pathogenic/Likely pathogenic. Review status: criteria provided, multiple submitters, no conflicts (2 of 4 stars). 4 submissions from 4 submitters: Pathogenic (1); Likely pathogenic (3). Last evaluated 2025-06-30.

Conditions:
Congenital myasthenic syndrome 4C (CMS4C). Also called: Myasthenic syndrome, congenital, associated with acetylcholine receptor deficiency. Identifiers: Orphanet 590, MedGen C1837091, MONDO:0012157, OMIM 608931.

Allele frequency attached by ClinVar (database versions not stated): TOPMed 0.00001; gnomAD 0.00001.

Submissions (4):

Dasa
Classification: Likely pathogenic. Last evaluated: 2025-06-30. Review status: criteria provided, single submitter. Criteria: DASA Assertion Criteria. Collection method: clinical testing. Allele origin: germline.
Comment: NM_001244710.2(GFPT1):c.41G>A (p.Arg14Gln) is a missense variant that results in the substitution of arginine with glutamine. Segregation data support an association with disease in the reported family/families (PMID: 35694932; PMID: 30919572). This variant has been recurrently observed in individuals with GFPT1-related disorders (PMID: 35694932; PMID: 30919572). Functional evidence supports an impact on the gene or gene product (PMID: 35694932). Also, this variant is rare in population databases. Based on the currently available evidence, this variant is classified as likely pathogenic.

Mendelics
Classification: Pathogenic for Congenital myasthenic syndrome 4C. Last evaluated: 2022-05-04. Review status: criteria provided, single submitter. Criteria: Mendelics Assertion Criteria 2019. Collection method: clinical testing. Allele origin: germline.

Institute of Medical Genetics and Applied Genomics, University Hospital Tübingen
Classification: Likely pathogenic. Last evaluated: 2021-06-17. Review status: criteria provided, single submitter. Criteria: ACMG Guidelines, 2015. Collection method: clinical testing. Allele origin: germline. Inheritance: Autosomal recessive inheritance. Affected: yes.

GeneDx
Classification: Likely pathogenic. Last evaluated: 2015-12-11. Review status: criteria provided, single submitter. Criteria: GeneDx Variant Classification (06012015). Collection method: clinical testing. Allele origin: germline. Affected: yes.
Comment: The R14Q variant in the GFPT1 gene has not been reported previously as a pathogenic variant, nor as a benign variant, to our knowledge. The R14Q variant was not observed in approximately 6,500 individuals of European and African American ancestry in the NHLBI Exome Sequencing Project, indicating it is not a common benign variant in these populations. The R14Q variant is a semi-conservative amino acid substitution, which may impact secondary protein structure as these residues differ in some properties. This substitution occurs at a position that is conserved across species. In silico analysis is inconsistent in its predictions as to whether or not the variant is damaging to the protein structure/function. The R14Q variant is a strong candidate for a pathogenic variant, however the possibility it may be a rare benign variant cannot be excluded.

Literature cited by the submitters: PubMed 35694932 (cited by Dasa); PubMed 30919572 (cited by Dasa); PubMed 30635494 (cited by Dasa).